The following is an entry in ClinVar:

ClinVar aggregate classification (germline): Conflicting classifications of pathogenicity. Review status: criteria provided, conflicting classifications (1 of 4 stars). 2 submissions from 2 submitters: Uncertain significance (1); Likely benign (1). Last evaluated 2023-12-05.

Conditions:
Cardiomyopathy (CMYO). Also called: Cardiomyopathies. Identifiers: Orphanet 167848, MedGen C0878544, MONDO:0004994, HP:0001638. Inheritance: Various modes of inheritance.
Hypertrophic cardiomyopathy. Also called: HYPERTROPHIC MYOCARDIOPATHY. Identifiers: Orphanet 217569, MedGen C0007194, MeSH D002312, MONDO:0005045, HP:0001639.

Submissions (2):

Color Diagnostics, LLC DBA Color Health
Classification: Likely benign for Cardiomyopathy. Last evaluated: 2023-12-05. Review status: criteria provided, single submitter. Criteria: ACMG Guidelines, 2015. Collection method: clinical testing. Allele origin: germline.

All of Us Research Program, National Institutes of Health
Classification: Uncertain significance for Hypertrophic cardiomyopathy. Last evaluated: 2023-07-19. Review status: criteria provided, single submitter. Criteria: ACMG Guidelines, 2015. Collection method: clinical testing. Allele origin: germline. Inheritance: Autosomal dominant inheritance. Observed: 1 variant allele, 1 heterozygote.
Comment: This synonymous variant causes a nucleotide substitution but does not change the encoded amino acid at codon 1146 of the MYBPC3 protein. To our knowledge, functional studies have not been reported for this variant. This variant has not been reported in individuals affected with MYBPC3-related disorders in the literature. This variant has been identified in 1/236256 chromosomes in the general population by the Genome Aggregation Database (gnomAD). The available evidence is insufficient to determine the role of this variant in disease conclusively. Therefore, this variant is classified as a Variant of Uncertain Significance.

This study involves interpretation of variants in research participants for the purpose of population health screening. Participant phenotype was not available at the time of variant classification. Additional details can be found in publication PMID: 35346344, PMCID: PMC8962531

NM_000256.3(MYBPC3):c.3438C>T (p.Gly1146=)

Gene: MYBPC3 (myosin binding protein C3; minus strand). Cytogenetic location: 11p11.2.
Variant type: single nucleotide variant.
Coding change: c.3438C>T on transcript NM_000256.3 (MANE Select); coding-DNA position 3438, C replaced by T.
Protein change: p.Gly1146=; no amino-acid change (glycine 1146 retained).
Molecular consequence: synonymous variant.
Genome position (GRCh38, 1-based): chr11:47,332,866, G>A on the plus strand (C>T on the coding strand, the complement: MYBPC3 is on the minus strand). VCF-style: chr11-47332866-G-A. GRCh37 (hg19) VCF-style: chr11-47354417-G-A.
Identifiers: ClinVar variation 2773702 (VCV002773702.3), dbSNP rs1197071459, ClinGen allele CA474429028.